The following is an entry in ClinVar:

ClinVar aggregate classification (germline): Uncertain significance (1 of 4 stars; one submission).

Conditions:
Dyskeratosis congenita, autosomal dominant 1 (DKCA1). Also called: Dyskeratosis congenita Scoggins type. Identifiers: Orphanet 1775, MedGen C4551974, MONDO:0007485, OMIM 127550. Inheritance: Variable.

Submission:

Labcorp Genetics (formerly Invitae), Labcorp
Classification: Uncertain significance for Dyskeratosis congenita, autosomal dominant 1. Last evaluated: 2024-07-29. Review status: criteria provided, single submitter. Criteria: Invitae Variant Classification Sherloc (09022015). Collection method: clinical testing. Allele origin: germline.
Comment: This variant occurs in the TERC gene, which encodes an RNA molecule that does not result in a protein product. This variant is not present in population databases (gnomAD no frequency). This variant has not been reported in the literature in individuals affected with TERC-related conditions. This variant is located within the template/pseudoknot domain of the TERC RNA component, which is required for RNA or RNP stability (PMID: 15082312, 21844345). This variant is located in a region of TERC in which a significant number of disease causing variants have been reported (PMID: 15082312, 21844345, 21931702). These observations suggest that this may be a clinically significant region. In summary, the available evidence is currently insufficient to determine the role of this variant in disease. Therefore, it has been classified as a Variant of Uncertain Significance.

Literature cited by the submitters: PubMed 15082312; PubMed 21844345; PubMed 21931702.

NR_001566.3(TERC):n.64G>A

Genes: TERC (telomerase RNA component; minus strand), LOC110806306 (telomerase RNA component (TERC) promoter; plus strand). Cytogenetic location: 3q26.2.
Variant type: single nucleotide variant.
Molecular consequence: non-coding transcript variant (on NR_001566.3).
Genome position: GRCh38 VCF-style: chr3-169764997-C-T. GRCh37 (hg19) VCF-style: chr3-169482785-C-T.
Identifiers: ClinVar variation 3671121 (VCV003671121.2).